The following is an entry in ClinVar:

ClinVar aggregate classification (germline): Uncertain significance. Review status: criteria provided, multiple submitters, no conflicts (2 of 4 stars). 3 submissions from 3 submitters: Uncertain significance (3). Last evaluated 2025-11-11.

Conditions:
Inborn genetic diseases. Identifiers: MedGen C0950123, MeSH D030342.

Allele frequency attached by ClinVar (database versions not stated): gnomAD exomes 0.00001.
gnomAD v4.1: 8 of 1,613,594 alleles (0.0005%); highest among the groups gnomAD compares: Non-Finnish European, 0.00068%; no homozygotes.

Submissions (3):

Labcorp Genetics (formerly Invitae), Labcorp
Classification: Uncertain significance. Last evaluated: 2025-11-11. Review status: criteria provided, single submitter. Criteria: Invitae Variant Classification Sherloc (09022015). Collection method: clinical testing. Allele origin: germline.
Comment: This sequence change replaces lysine, which is basic and polar, with methionine, which is neutral and non-polar, at codon 4361 of the ANK3 protein (p.Lys4361Met). This variant is not present in population databases (gnomAD no frequency). This variant has not been reported in the literature in individuals affected with ANK3-related conditions. ClinVar contains an entry for this variant (Variation ID: 1012780). An algorithm developed to predict the effect of missense changes on protein structure and function (PolyPhen-2) suggests that this variant is likely to be disruptive. In summary, the available evidence is currently insufficient to determine the role of this variant in disease. Therefore, it has been classified as a Variant of Uncertain Significance.

Ambry Genetics
Classification: Uncertain significance for Inborn genetic diseases. Last evaluated: 2024-05-10. Review status: criteria provided, single submitter. Criteria: Ambry Variant Classification Scheme 2023. Collection method: clinical testing. Allele origin: germline.

CeGaT Center for Human Genetics Tuebingen
Classification: Uncertain significance. Last evaluated: 2020-11-01. Review status: criteria provided, single submitter. Criteria: CeGaT Center For Human Genetics Tuebingen Variant Classification Criteria Version 2. Collection method: clinical testing. Allele origin: germline. Affected: yes. Observed: 1 variant allele.

NM_020987.5(ANK3):c.13082A>T (p.Lys4361Met)

Gene: ANK3 (ankyrin 3; minus strand). Cytogenetic location: 10q21.2.
Variant type: single nucleotide variant.
Coding change: c.13082A>T on transcript NM_020987.5 (MANE Select); coding-DNA position 13082, A replaced by T.
Protein change: p.Lys4361Met; replaces lysine 4361 with methionine.
Molecular consequence: missense variant.
Genome position (GRCh38, 1-based): chr10:60,042,743, T>A on the plus strand (A>T on the coding strand, the complement: ANK3 is on the minus strand). VCF-style: chr10-60042743-T-A. GRCh37 (hg19) VCF-style: chr10-61802501-T-A.
Other names: c.13082A>T (NM_020987.3); c.2954A>T, p.Lys985Met (NM_001149.4); c.5534A>T, p.Lys1845Met (NM_001204403.2); c.5555A>T, p.Lys1852Met (NM_001204404.2); c.5552A>T, p.Lys1851Met (NM_001320874.2); short protein forms K1845M, K1851M, K1852M, K4361M, K985M.
Identifiers: ClinVar variation 1012780 (VCV001012780.40), dbSNP rs2076325400, ClinGen allele CA376987387.